The following is an entry in ClinVar:

NM_139242.4(MTFMT):c.34C>A (p.Pro12Thr)

Gene: MTFMT (mitochondrial methionyl-tRNA formyltransferase; minus strand). Cytogenetic location: 15q22.31.
Variant type: single nucleotide variant.
Coding change: c.34C>A on transcript NM_139242.4 (MANE Select); coding-DNA position 34, C replaced by A.
Protein change: p.Pro12Thr; replaces proline 12 with threonine.
Molecular consequence: missense variant.
Genome position (GRCh38, 1-based): chr15:65,029,580, G>T on the plus strand (C>A on the coding strand, the complement: MTFMT is on the minus strand). VCF-style: chr15-65029580-G-T. GRCh37 (hg19) VCF-style: chr15-65321918-G-T.
Other names: short protein forms P12T.
Identifiers: ClinVar variation 1031157 (VCV001031157.7), dbSNP rs933296601, ClinGen allele CA271504865.
Genomic context (GRCh38, chr15:65,029,580, plus strand): 5'-GTCGGGCCAGTGCTCGCCACTGGGGACTCGGCCTCCCACGCCTGGCGCCATGAGCCAGCG[G>T]AGGACCCCAACAGCGCCGCACCAACACCCTCATCGCCTCGGCCGCCGGCGGCCGGCCCTG-3'
Protein context (NP_640335.2, residues 2-22): RVLVRRCWGP[Pro12Thr]LAHGARRGRP

ClinVar aggregate classification (germline): Conflicting classifications of pathogenicity. Review status: criteria provided, conflicting classifications (1 of 4 stars). 4 submissions from 4 submitters: Uncertain significance (3); Likely benign (1). Last evaluated 2025-05-05.

Conditions:
Combined oxidative phosphorylation defect type 15. Also called: Combined oxidative phosphorylation deficiency 15. Identifiers: Orphanet 319524, MedGen C4706313, MONDO:0013987, OMIM 614947.
Inborn genetic diseases. Identifiers: MedGen C0950123, MeSH D030342.

Allele frequency attached by ClinVar (database versions not stated): TOPMed 0.00016; gnomAD exomes 0.00021.
gnomAD v4.1: 65 of 1,498,690 alleles (0.0043%); highest among the groups gnomAD compares: Middle Eastern, 0.1%; no homozygotes.

Submissions (4):

Labcorp Genetics (formerly Invitae), Labcorp
Classification: Likely benign. Last evaluated: 2025-05-05. Review status: criteria provided, single submitter. Criteria: Invitae Variant Classification Sherloc (09022015). Collection method: clinical testing. Allele origin: germline.

GeneDx
Classification: Uncertain significance. Last evaluated: 2025-04-29. Review status: criteria provided, single submitter. Criteria: GeneDx Variant Classification Process June 2021. Collection method: clinical testing. Allele origin: germline.
Comment: In silico analysis indicates that this missense variant does not alter protein structure/function; Has not been previously published as pathogenic or benign to our knowledge

Ambry Genetics
Classification: Uncertain significance for Inborn genetic diseases. Last evaluated: 2021-10-14. Review status: criteria provided, single submitter. Criteria: Ambry Variant Classification Scheme 2023. Collection method: clinical testing. Allele origin: germline.

Baylor Genetics
Classification: Uncertain significance for Combined oxidative phosphorylation defect type 15. Last evaluated: 2019-05-04. Review status: criteria provided, single submitter. Criteria: ACMG Guidelines, 2015. Collection method: clinical testing. Allele origin: paternal. Affected: yes.
Comment: This variant was determined to be of uncertain significance according to ACMG Guidelines, 2015 [PMID:25741868].